The following is an entry in ClinVar:

NM_001164508.2(NEB):c.20974A>T (p.Lys6992Ter)

Gene: NEB (nebulin; minus strand). Cytogenetic location: 2q23.3.
Variant type: single nucleotide variant.
Coding change: c.20974A>T on transcript NM_001164508.2 (MANE Select); coding-DNA position 20974, A replaced by T.
Protein change: p.Lys6992Ter; replaces lysine 6992 with a stop codon.
Molecular consequence: nonsense.
Genome position (GRCh38, 1-based): chr2:151,538,163, T>A on the plus strand (A>T on the coding strand, the complement: NEB is on the minus strand). VCF-style: chr2-151538163-T-A. GRCh37 (hg19) VCF-style: chr2-152394677-T-A.
Other names: c.20974A>T, p.Lys6992Ter (NM_001164507.2, NM_001271208.2); c.15871A>T, p.Lys5291Ter (NM_004543.5); short protein forms K5291*, K6992*.
Identifiers: ClinVar variation 2034070 (VCV002034070.6), dbSNP rs754700207, ClinGen allele CA348776323.

ClinVar aggregate classification (germline): Pathogenic/Likely pathogenic. Review status: criteria provided, multiple submitters, no conflicts (2 of 4 stars). 3 submissions from 3 submitters: Pathogenic (2); Likely pathogenic (1). Last evaluated 2025-10-14.

Conditions:
Nemaline myopathy 2 (NEM2). Also called: Nemaline myopathy 2, autosomal recessive. Identifiers: MedGen C1850569, MONDO:0009725, OMIM 256030.

Allele frequency attached by ClinVar (database versions not stated): TOPMed below 0.00001.

Submissions (3):

Natera, Inc.
Classification: Likely pathogenic for Nemaline myopathy type 2. Last evaluated: 2025-10-14. Review status: criteria provided, single submitter. Criteria: Natera Variant Classification Schema (03/2026). Collection method: clinical testing. Allele origin: germline.
Comment: The c.20974A>T variant in NEB is a nonsense variant predicted to introduce a stop codon at amino acid 6992. This variant is expected to result in nonsense mediated decay, truncation, or a dysfunctional protein product. This variant is rare in the general population with a frequency below the threshold expected for the associated phenotype(s). Given the available evidence, this variant is classified as Likely Pathogenic.

Myriad Genetics, Inc.
Classification: Pathogenic for Nemaline myopathy 2. Last evaluated: 2024-05-08. Review status: criteria provided, single submitter. Criteria: Myriad Autosomal Dominant, Autosomal Recessive and X-Linked Classification Criteria (2023). Collection method: clinical testing. Allele origin: unknown.
Comment: NM_001271208.1(NEB):c.20974A>T(K6992*) is expected to be pathogenic in the context of NEB-related nemaline myopathy. This variant is predicted to lead to an abnormal or absent protein product due to the creation of a premature termination codon in NEB, a gene where loss-of-function variants are known to be pathogenic. Please note: this variant was assessed in the context of healthy population screening.

Labcorp Genetics (formerly Invitae), Labcorp
Classification: Pathogenic for Nemaline myopathy 2. Last evaluated: 2024-01-21. Review status: criteria provided, single submitter. Criteria: Invitae Variant Classification Sherloc (09022015). Collection method: clinical testing. Allele origin: germline.
Comment: This sequence change creates a premature translational stop signal (p.Lys6992*) in the NEB gene. It is expected to result in an absent or disrupted protein product. Loss-of-function variants in NEB are known to be pathogenic (PMID: 25205138). This variant is not present in population databases (gnomAD no frequency). This variant has not been reported in the literature in individuals affected with NEB-related conditions. ClinVar contains an entry for this variant (Variation ID: 2034070). For these reasons, this variant has been classified as Pathogenic.

Literature cited by the submitters: PubMed 25205138 (cited by Labcorp Genetics (formerly Invitae), Labcorp).